The following is an entry in ClinVar:

ClinVar aggregate classification (germline): Benign/Likely benign. Review status: criteria provided, multiple submitters, no conflicts (2 of 4 stars). 7 submissions from 7 submitters: Benign (1); Likely benign (6). Last evaluated 2026-01-28.

Conditions:
Breast-ovarian cancer, familial, susceptibility to, 5 (BROVCA5). Identifiers: MedGen C5830615, MONDO:0957530, OMIM 620442.
Pancreatic cancer, susceptibility to, 3. Identifiers: Orphanet 1333, MedGen C3150547, MONDO:0013236, OMIM 613348.
Fanconi anemia complementation group N. Also called: PALB2-Related Fanconi Anemia. Identifiers: Orphanet 84, MedGen C1835817, MONDO:0012565, OMIM 610832. Disease mechanism: loss of function.
Hereditary cancer-predisposing syndrome. Also called: Neoplastic Syndromes, Hereditary; Tumor predisposition; Hereditary Cancer Syndrome; Hereditary neoplastic syndrome. Identifiers: Orphanet 140162, MedGen C0027672, MeSH D009386, MONDO:0015356.
Familial cancer of breast. Also called: BREAST CANCER, FAMILIAL; Hereditary breast cancer; hereditary breast carcinoma. Identifiers: Orphanet 227535, MedGen C0346153, MONDO:0016419, OMIM 114480. Disease mechanism: loss of function.

Allele frequency attached by ClinVar (database versions not stated): gnomAD 0.00001; gnomAD exomes 0.00001; TOPMed 0.00001; ExAC 0.00002.
gnomAD v4.1: 12 of 1,613,966 alleles (0.00074%); highest among the groups gnomAD compares: South Asian, 0.0044%; no homozygotes.

Submissions (7):

Labcorp Genetics (formerly Invitae), Labcorp
Classification: Likely benign for Familial cancer of breast. Last evaluated: 2026-01-28. Review status: criteria provided, single submitter. Criteria: Invitae Variant Classification Sherloc (09022015). Collection method: clinical testing. Allele origin: germline.

Women's Health and Genetics/Laboratory Corporation of America, LabCorp
Classification: Likely benign. Last evaluated: 2025-10-11. Review status: criteria provided, single submitter. Criteria: LabCorp Variant Classification Summary - May 2015. Collection method: clinical testing. Allele origin: germline.

Myriad Genetics, Inc.
Classification: Benign for Familial cancer of breast. Last evaluated: 2025-01-17. Review status: criteria provided, single submitter. Criteria: Myriad Autosomal Dominant, Autosomal Recessive and X-Linked Classification Criteria (2023). Collection method: clinical testing. Allele origin: unknown.
Comment: This variant is considered benign. This variant is a silent/synonymous amino acid change and it is not expected to impact splicing.

Blueprint Genetics
Classification: Likely benign. Last evaluated: 2024-07-30. Review status: criteria provided, single submitter. Criteria: ACMG Guidelines, 2015. Collection method: clinical testing. Allele origin: germline.

Department of Pathology and Laboratory Medicine, Sinai Health System
Classification: Likely benign for Fanconi anemia complementation group N; Pancreatic cancer, susceptibility to, 3; Breast-ovarian cancer, familial, susceptibility to, 5. Last evaluated: 2021-12-07. Review status: criteria provided, single submitter. Criteria: ACMG Guidelines, 2015. Collection method: clinical testing. Allele origin: germline. Affected: yes.

Color Diagnostics, LLC DBA Color Health
Classification: Likely benign for Hereditary cancer-predisposing syndrome. Last evaluated: 2018-11-12. Review status: criteria provided, single submitter. Criteria: ACMG Guidelines, 2015. Collection method: clinical testing. Allele origin: germline.

Ambry Genetics
Classification: Likely benign for Hereditary cancer-predisposing syndrome. Last evaluated: 2017-05-17. Review status: criteria provided, single submitter. Criteria: Ambry Variant Classification Scheme 2023. Collection method: clinical testing. Allele origin: germline.

NM_024675.4(PALB2):c.2640C>T (p.Ala880=)

Gene: PALB2 (partner and localizer of BRCA2; minus strand). Cytogenetic location: 16p12.2.
Variant type: single nucleotide variant.
Coding change: c.2640C>T on transcript NM_024675.4 (MANE Select); coding-DNA position 2640, C replaced by T.
Protein change: p.Ala880=; no amino-acid change (alanine 880 retained).
Molecular consequence: synonymous variant.
Genome position (GRCh38, 1-based): chr16:23,626,344, G>A on the plus strand (C>T on the coding strand, the complement: PALB2 is on the minus strand). VCF-style: chr16-23626344-G-A. GRCh37 (hg19) VCF-style: chr16-23637665-G-A.
Identifiers: ClinVar variation 215932 (VCV000215932.22), dbSNP rs752928633, ClinGen allele CA336521.